The following is an entry in ClinVar:

NM_001130987.2(DYSF):c.5085_5089dup (p.Lys1697fs)

Gene: DYSF (dysferlin; plus strand). Cytogenetic location: 2p13.2.
Variant type: Duplication.
Coding change: c.5085_5089dup on transcript NM_001130987.2 (MANE Select); coding-DNA positions 5085 to 5089, 5 bases duplicated (CGAAA; older notation c.5085_5089dupCGAAA).
Protein change: p.Lys1697fs; shifts the reading frame from lysine 1697.
Molecular consequence: frameshift variant.
Genome position (GRCh38, 1-based): chr2:71,664,349-71,664,353, CGAAA duplicated; duplicating any 5 consecutive bases within chr2:71,664,348-71,664,353 gives the same sequence; the c. name uses the placement nearest the transcript's 3' end. VCF-style (leftmost placement, unchanged base first): chr2-71664347-G-GACGAA. GRCh37 (hg19) VCF-style: chr2-71891477-G-GACGAA.
Other names: c.4971_4975dup, p.Lys1659fs (NM_001130455.2); c.4926_4930dup, p.Lys1644fs (NM_001130976.2); c.4989_4993dup, p.Lys1665fs (NM_001130977.2); c.5031_5035dup, p.Lys1679fs (NM_001130978.2); c.5061_5065dup, p.Lys1689fs (NM_001130979.2); c.5019_5023dup, p.Lys1675fs (NM_001130980.2); c.5082_5086dup, p.Lys1696fs (NM_001130981.2); c.5064_5068dup, p.Lys1690fs (NM_001130982.2); and 5 more; short protein forms K1666fs, K1676fs, K1644fs, K1665fs, K1680fs, K1697fs, K1658fs, K1659fs.
Identifiers: ClinVar variation 1413364 (VCV001413364.6), dbSNP rs2152950744, ClinGen allele CA2518953351.
Genomic context (GRCh38, chr2:71,664,347, plus strand): 5'-ACTCTGCCTCTGGAGAAGGACCTAAAGATCACTCTCTATGACTATGACCTCCTCTCCAAG[G>GACGAA]ACGAAAAGATCGGTGAGACGGTCGTCGACCTGGAGAACAGGCTGCTGTCCAAGTTTGGGG-3'

ClinVar aggregate classification (germline): Pathogenic (1 of 4 stars; one submission).

Conditions:
Neuromuscular disease caused by qualitative or quantitative defects of dysferlin. Also called: Dysferlinopathy; Qualitative or quantitative defects of dysferlin. Identifiers: Orphanet 207073, MedGen C2931687, MONDO:0016145.

Submission:

Labcorp Genetics (formerly Invitae), Labcorp
Classification: Pathogenic for Neuromuscular disease caused by qualitative or quantitative defects of dysferlin. Last evaluated: 2023-10-13. Review status: criteria provided, single submitter. Criteria: Invitae Variant Classification Sherloc (09022015). Collection method: clinical testing. Allele origin: germline.
Comment: This sequence change creates a premature translational stop signal (p.Lys1658Thrfs*66) in the DYSF gene. It is expected to result in an absent or disrupted protein product. Loss-of-function variants in DYSF are known to be pathogenic (PMID: 17698709, 20301480). This variant is not present in population databases (gnomAD no frequency). This premature translational stop signal has been observed in individual(s) with clinical features of limb-girdle muscular dystrophy (PMID: 19528035). ClinVar contains an entry for this variant (Variation ID: 1413364). For these reasons, this variant has been classified as Pathogenic.

Literature cited by the submitters: PubMed 17698709; PubMed 20301480; PubMed 19528035.